The following is an entry in ClinVar:

NM_003482.4(KMT2D):c.10507+7A>G

Gene: KMT2D (lysine methyltransferase 2D; minus strand). Cytogenetic location: 12q13.12.
Variant type: single nucleotide variant.
Coding change: c.10507+7A>G on transcript NM_003482.4 (MANE Select); 7 bases into the intron after coding-DNA position 10507, A replaced by G.
Molecular consequence: intron variant.
Genome position (GRCh38, 1-based): chr12:49,034,403, T>C on the plus strand (A>G on the coding strand, the complement: KMT2D is on the minus strand). VCF-style: chr12-49034403-T-C. GRCh37 (hg19) VCF-style: chr12-49428186-T-C.
Identifiers: ClinVar variation 4987643 (VCV004987643.1).
Genomic context (GRCh38, chr12:49,034,403, plus strand): 5'-CCAATCCCTCTTCCTCCATATGACCCAAACCACTCCCCTGCACCTTCCTCCCACGCCCCA[T>C]ACTCACTGATCACTCCCTGAGCAAAAGTGGGCGGGTTGGGACGAGGCTGGGAGGGATCAC-3'

ClinVar aggregate classification (germline): Likely benign (1 of 4 stars; one submission).

Conditions:
KMT2D-related disorder. Also called: KMT2D-Related Disorders.

Submission:

PreventionGenetics, part of Exact Sciences
Classification: Likely benign for KMT2D-related condition. Last evaluated: 2024-10-16. Review status: criteria provided, single submitter. Criteria: ACMG Guidelines, 2015. Collection method: clinical testing. Allele origin: germline.
Comment: This variant is classified as likely benign based on ACMG/AMP sequence variant interpretation guidelines (Richards et al. 2015 PMID: 25741868, with internal and published modifications).